The following is an entry in ClinVar:

ClinVar aggregate classification (germline): Uncertain significance. Review status: criteria provided, multiple submitters, no conflicts (2 of 4 stars). 2 submissions from 2 submitters: Uncertain significance (2). Last evaluated 2025-10-08.

Conditions:
Inborn genetic diseases. Identifiers: MedGen C0950123, MeSH D030342.
Immunodeficiency 19 (IMD19). Also called: SCID, T CELL-NEGATIVE, B CELL-POSITIVE, NK CELL-POSITIVE; IMMUNODEFICIENCY 19, SEVERE COMBINED; CD3-DELTA DEFICIENCY; SEVERE COMBINED IMMUNODEFICIENCY, T CELL-NEGATIVE, B CELL-POSITIVE, NK CELL-POSITIVE. Identifiers: MedGen C3810147, MONDO:0014280, OMIM 615617.

Allele frequency attached by ClinVar (database versions not stated): ExAC 0.00002; TOPMed 0.00005; gnomAD exomes 0.00001 and 0.00002; gnomAD 0.00005 and 0.00006; ESP Exome Variant Server 0.00015.
gnomAD v4.1: 29 of 1,613,816 alleles (0.0018%); highest among the groups gnomAD compares: African/African-American, 0.011%; no homozygotes.

Submissions (2):

Ambry Genetics
Classification: Uncertain significance for Inborn genetic diseases. Last evaluated: 2025-10-08. Review status: criteria provided, single submitter. Criteria: Ambry Variant Classification Scheme 2023. Collection method: clinical testing. Allele origin: germline.

Labcorp Genetics (formerly Invitae), Labcorp
Classification: Uncertain significance for Immunodeficiency 19. Last evaluated: 2022-01-11. Review status: criteria provided, single submitter. Criteria: Invitae Variant Classification Sherloc (09022015). Collection method: clinical testing. Allele origin: germline.
Comment: This sequence change replaces arginine, which is basic and polar, with tryptophan, which is neutral and slightly polar, at codon 169 of the CD3D protein (p.Arg169Trp). This variant is present in population databases (rs367800432, gnomAD 0.006%). This variant has not been reported in the literature in individuals affected with CD3D-related conditions. ClinVar contains an entry for this variant (Variation ID: 962292). Algorithms developed to predict the effect of missense changes on protein structure and function are either unavailable or do not agree on the potential impact of this missense change (SIFT: "Deleterious"; PolyPhen-2: "Probably Damaging"; Align-GVGD: "Class C0"). In summary, the available evidence is currently insufficient to determine the role of this variant in disease. Therefore, it has been classified as a Variant of Uncertain Significance.

NM_000732.6(CD3D):c.505C>T (p.Arg169Trp)

Gene: CD3D (CD3 delta subunit of T-cell receptor complex; minus strand). Cytogenetic location: 11q23.3.
Variant type: single nucleotide variant.
Coding change: c.505C>T on transcript NM_000732.6 (MANE Select); coding-DNA position 505, C replaced by T.
Protein change: p.Arg169Trp; replaces arginine 169 with tryptophan.
Molecular consequence: missense variant.
Genome position (GRCh38, 1-based): chr11:118,339,173, G>A on the plus strand (C>T on the coding strand, the complement: CD3D is on the minus strand). VCF-style: chr11-118339173-G-A. GRCh37 (hg19) VCF-style: chr11-118209888-G-A.
Other names: c.373C>T, p.Arg125Trp (NM_001040651.2); short protein forms R125W, R169W.
Identifiers: ClinVar variation 962292 (VCV000962292.7), dbSNP rs367800432, ClinGen allele CA6301839.